The following is an entry in ClinVar:

ClinVar aggregate classification (germline): Uncertain significance (1 of 4 stars; one submission).

Submission:

GeneDx
Classification: Uncertain significance. Last evaluated: 2023-12-18. Review status: criteria provided, single submitter. Criteria: GeneDx Variant Classification Process June 2021. Collection method: clinical testing. Allele origin: germline. Affected: yes.
Comment: Not observed at significant frequency in large population cohorts (gnomAD); In silico analysis supports that this variant does not alter splicing; Has not been previously published as pathogenic or benign to our knowledge

NM_021971.4(GMPPB):c.562-3C>T

Gene: GMPPB (GDP-mannose pyrophosphorylase B; minus strand). Cytogenetic location: 3p21.31.
Variant type: single nucleotide variant.
Coding change: c.562-3C>T on transcript NM_021971.4 (MANE Select); 3 bases into the intron before coding-DNA position 562, C replaced by T.
Molecular consequence: intron variant.
Genome position (GRCh38, 1-based): chr3:49,722,513, G>A on the plus strand (C>T on the coding strand, the complement: GMPPB is on the minus strand). VCF-style: chr3-49722513-G-A. GRCh37 (hg19) VCF-style: chr3-49759946-G-A.
Other names: c.562-3C>T (NM_013334.4).
Identifiers: ClinVar variation 3365654 (VCV003365654.1).